The following is an entry in ClinVar:

NM_018941.4(CLN8):c.126C>A (p.Cys42Ter)

Gene: CLN8 (CLN8 transmembrane ER and ERGIC protein; plus strand). Cytogenetic location: 8p23.3.
Variant type: single nucleotide variant.
Coding change: c.126C>A on transcript NM_018941.4 (MANE Select); coding-DNA position 126, C replaced by A.
Protein change: p.Cys42Ter; replaces cysteine 42 with a stop codon.
Molecular consequence: nonsense.
Genome position (GRCh38, 1-based): chr8:1,771,180, C>A. VCF-style: chr8-1771180-C-A. GRCh37 (hg19) VCF-style: chr8-1719346-C-A.
Other names: short protein forms C42*.
Identifiers: ClinVar variation 1453381 (VCV001453381.6), dbSNP rs192196274, ClinGen allele CA369952923.
Genomic context (GRCh38, chr8:1,771,180, plus strand): 5'-GATCCGCTCCACGCTGATGGTCGCTGGCTTTGTCTTCTACTTGGGCGTCTTTGTGGTCTG[C>A]CACCAGCTGTCCTCTTCCCTGAATGCCACTTACCGTTCTTTGGTGGCCAGAGAGAAGGTC-3'

ClinVar aggregate classification (germline): Pathogenic (1 of 4 stars; one submission).

Conditions:
Neuronal ceroid lipofuscinosis. Also called: Neuronal Ceroid Lipofuscinoses. Identifiers: Orphanet 216, Orphanet 79263, MedGen C0027877, MONDO:0016295. Disease mechanism: loss of function.

gnomAD v4.1: 1 of 1,614,040 alleles (0.000062%); highest among the groups gnomAD compares: Non-Finnish European, 0.000085%; no homozygotes.

Submission:

Labcorp Genetics (formerly Invitae), Labcorp
Classification: Pathogenic for Neuronal ceroid lipofuscinosis. Last evaluated: 2021-12-15. Review status: criteria provided, single submitter. Criteria: Invitae Variant Classification Sherloc (09022015). Collection method: clinical testing. Allele origin: germline.
Comment: This sequence change creates a premature translational stop signal (p.Cys42*) in the CLN8 gene. It is expected to result in an absent or disrupted protein product. Loss-of-function variants in CLN8 are known to be pathogenic (PMID: 15024724). This variant is not present in population databases (gnomAD no frequency). This variant has not been reported in the literature in individuals affected with CLN8-related conditions. For these reasons, this variant has been classified as Pathogenic.

Literature cited by the submitters: PubMed 15024724.